The following is an entry in ClinVar:

ClinVar aggregate classification (germline): Uncertain significance (1 of 4 stars; one submission).

Allele frequency attached by ClinVar (database versions not stated): gnomAD exomes 0.00001.
gnomAD v4.1: 4 of 1,614,062 alleles (0.00025%); highest among the groups gnomAD compares: Admixed American, 0.0033%; no homozygotes.

Submission:

Labcorp Genetics (formerly Invitae), Labcorp
Classification: Uncertain significance. Last evaluated: 2024-11-13. Review status: criteria provided, single submitter. Criteria: Invitae Variant Classification Sherloc (09022015). Collection method: clinical testing. Allele origin: germline.
Comment: This sequence change replaces asparagine, which is neutral and polar, with threonine, which is neutral and polar, at codon 218 of the TNFRSF11B protein (p.Asn218Thr). This variant is present in population databases (no rsID available, gnomAD 0.003%). This variant has not been reported in the literature in individuals affected with TNFRSF11B-related conditions. ClinVar contains an entry for this variant (Variation ID: 2963726). Invitae Evidence Modeling of protein sequence and biophysical properties (such as structural, functional, and spatial information, amino acid conservation, physicochemical variation, residue mobility, and thermodynamic stability) indicates that this missense variant is not expected to disrupt TNFRSF11B protein function with a negative predictive value of 80%. In summary, the available evidence is currently insufficient to determine the role of this variant in disease. Therefore, it has been classified as a Variant of Uncertain Significance.

NM_002546.4(TNFRSF11B):c.653A>C (p.Asn218Thr)

Gene: TNFRSF11B (TNF receptor superfamily member 11b; minus strand). Cytogenetic location: 8q24.12.
Variant type: single nucleotide variant.
Coding change: c.653A>C on transcript NM_002546.4 (MANE Select); coding-DNA position 653, A replaced by C.
Protein change: p.Asn218Thr; replaces asparagine 218 with threonine.
Molecular consequence: missense variant.
Genome position (GRCh38, 1-based): chr8:118,926,658, T>G on the plus strand (A>C on the coding strand, the complement: TNFRSF11B is on the minus strand). VCF-style: chr8-118926658-T-G. GRCh37 (hg19) VCF-style: chr8-119938897-T-G.
Other names: short protein forms N218T.
Identifiers: ClinVar variation 2963726 (VCV002963726.3), dbSNP rs1170639210, ClinGen allele CA371919473.